The following is an entry in ClinVar:

ClinVar aggregate classification (germline): Uncertain significance. Review status: criteria provided, multiple submitters, no conflicts (2 of 4 stars). 5 submissions from 5 submitters: Uncertain significance (5). Last evaluated 2025-04-03.

Conditions:
Cone-rod dystrophy 5 (CORD5). Identifiers: Orphanet 1872, MedGen C1832976, MONDO:0010969, OMIM 600977.

Allele frequency attached by ClinVar (database versions not stated): gnomAD 0.00001; gnomAD exomes 0.00002; ExAC 0.00003; TOPMed 0.00004; ESP Exome Variant Server 0.00008.
gnomAD v4.1: 36 of 1,613,914 alleles (0.0022%); highest among the groups gnomAD compares: Non-Finnish European, 0.0028%; no homozygotes.

Submissions (5):

Labcorp Genetics (formerly Invitae), Labcorp
Classification: Uncertain significance. Last evaluated: 2025-04-03. Review status: criteria provided, single submitter. Criteria: Invitae Variant Classification Sherloc (09022015). Collection method: clinical testing. Allele origin: germline.
Comment: This sequence change replaces glutamine, which is neutral and polar, with histidine, which is basic and polar, at codon 722 of the PITPNM3 protein (p.Gln722His). This variant is present in population databases (rs368515060, gnomAD 0.007%). This variant has not been reported in the literature in individuals affected with PITPNM3-related conditions. ClinVar contains an entry for this variant (Variation ID: 1305959). Invitae Evidence Modeling of protein sequence and biophysical properties (such as structural, functional, and spatial information, amino acid conservation, physicochemical variation, residue mobility, and thermodynamic stability) indicates that this missense variant is not expected to disrupt PITPNM3 protein function with a negative predictive value of 80%. In summary, the available evidence is currently insufficient to determine the role of this variant in disease. Therefore, it has been classified as a Variant of Uncertain Significance.

Blueprint Genetics
Classification: Uncertain significance. Last evaluated: 2024-05-08. Review status: criteria provided, single submitter. Criteria: ACMG Guidelines, 2015. Collection method: clinical testing. Allele origin: germline.

Ambry Genetics
Classification: Uncertain significance. Last evaluated: 2021-10-21. Review status: criteria provided, single submitter. Criteria: Ambry Variant Classification Scheme 2023. Collection method: clinical testing. Allele origin: germline.

Victorian Clinical Genetics Services, Murdoch Childrens Research Institute
Classification: Uncertain significance for Cone-rod dystrophy 5. Last evaluated: 2019-08-28. Review status: criteria provided, single submitter. Criteria: ACMG Guidelines, 2015. Collection method: clinical testing. Allele origin: germline. Inheritance: Autosomal dominant inheritance. Affected: yes.
Comment: A heterozygous missense variant was identified, NM_031220.3(PITPNM3):c.2166G>C in exon 17 of 20 of the PITPNM3 gene. This substitution is predicted to create a minor amino acid change from glutamine to histidine at position 722 of the protein, NP_112497.2(PITPNM3):p.(Gln722His). The glutamine at this position has moderate conservation (100 vertebrates, UCSC) and is not situated in a known functional domain. In silico software predictions of the pathogenicity of this variant are conflicting (Polyphen, SIFT, CADD, Mutation Taster). The variant is present in the gnomAD population database at a frequency of 0.002% (4 heterozygotes, 0 homozygotes). The variant has not been previously reported in clinical cases. Based on information available at the time of curation, this variant has been classified as a VARIANT of UNCERTAIN SIGNIFICANCE (VUS) with LOW CLINICAL RELEVANCE.

GeneDx
Classification: Uncertain significance. Last evaluated: 2019-07-18. Review status: criteria provided, single submitter. Criteria: GeneDx Variant Classification Process June 2021. Collection method: clinical testing. Allele origin: germline. Affected: yes.
Comment: In silico analysis, which includes protein predictors and evolutionary conservation, supports that this variant does not alter protein structure/function; Has not been previously published as pathogenic or benign to our knowledge

NM_031220.4(PITPNM3):c.2166G>C (p.Gln722His)

Gene: PITPNM3 (PITPNM family member 3; minus strand). Cytogenetic location: 17p13.2.
Variant type: single nucleotide variant.
Coding change: c.2166G>C on transcript NM_031220.4 (MANE Select); coding-DNA position 2166, G replaced by C.
Protein change: p.Gln722His; replaces glutamine 722 with histidine.
Molecular consequence: missense variant.
Genome position (GRCh38, 1-based): chr17:6,463,872, C>G on the plus strand (G>C on the coding strand, the complement: PITPNM3 is on the minus strand). VCF-style: chr17-6463872-C-G. GRCh37 (hg19) VCF-style: chr17-6367192-C-G.
Other names: c.2058G>C, p.Gln686His (NM_001165966.2); short protein forms Q686H, Q722H.
Identifiers: ClinVar variation 1305959 (VCV001305959.12), dbSNP rs368515060, ClinGen allele CA8329249.